The following is an entry in ClinVar:

NM_004519.4(KCNQ3):c.1273G>T (p.Gly425Cys)

Gene: KCNQ3 (potassium voltage-gated channel subfamily Q member 3; minus strand). Cytogenetic location: 8q24.22.
Variant type: single nucleotide variant.
Coding change: c.1273G>T on transcript NM_004519.4 (MANE Select); coding-DNA position 1273, G replaced by T.
Protein change: p.Gly425Cys; replaces glycine 425 with cysteine.
Molecular consequence: missense variant.
Genome position (GRCh38, 1-based): chr8:132,141,321, C>A on the plus strand (G>T on the coding strand, the complement: KCNQ3 is on the minus strand). VCF-style: chr8-132141321-C-A. GRCh37 (hg19) VCF-style: chr8-133153568-C-A.
Other names: c.913G>T, p.Gly305Cys (NM_001204824.2); short protein forms G305C, G425C.
Identifiers: ClinVar variation 2812160 (VCV002812160.3), dbSNP rs1586764088, ClinGen allele CA372220475.

ClinVar aggregate classification (germline): Uncertain significance (1 of 4 stars; one submission).

Conditions:
Benign neonatal seizures. Also called: Convulsions benign familial neonatal dominant form; Autosomal dominant form of benign neonatal seizures; Benign familial neonatal epilepsy; Benign familial neonatal seizures; Benign neonatal familial convulsions. Identifiers: Orphanet 1949, MedGen C0220669, MONDO:0016027.

Submission:

Labcorp Genetics (formerly Invitae), Labcorp
Classification: Uncertain significance for Benign neonatal seizures. Last evaluated: 2022-11-10. Review status: criteria provided, single submitter. Criteria: Invitae Variant Classification Sherloc (09022015). Collection method: clinical testing. Allele origin: germline.
Comment: This sequence change replaces glycine, which is neutral and non-polar, with cysteine, which is neutral and slightly polar, at codon 425 of the KCNQ3 protein (p.Gly425Cys). This variant is not present in population databases (gnomAD no frequency). This variant has not been reported in the literature in individuals affected with KCNQ3-related conditions. Advanced modeling of protein sequence and biophysical properties (such as structural, functional, and spatial information, amino acid conservation, physicochemical variation, residue mobility, and thermodynamic stability) performed at Invitae indicates that this missense variant is not expected to disrupt KCNQ3 protein function. In summary, the available evidence is currently insufficient to determine the role of this variant in disease. Therefore, it has been classified as a Variant of Uncertain Significance.